The following is an entry in ClinVar:

ClinVar aggregate classification (germline): Conflicting classifications of pathogenicity. Review status: criteria provided, conflicting classifications (1 of 4 stars). 2 submissions from 2 submitters: Uncertain significance (1); Likely benign (1). Last evaluated 2024-06-08.

Conditions:
Fanconi anemia complementation group O. Also called: RAD51C-Related Fanconi Anemia. Identifiers: Orphanet 84, MedGen C3150653, MONDO:0013248, OMIM 613390.
Hereditary cancer-predisposing syndrome. Also called: Neoplastic Syndromes, Hereditary; Hereditary Cancer Syndrome; Hereditary neoplastic syndrome; Tumor predisposition. Identifiers: Orphanet 140162, MedGen C0027672, MeSH D009386, MONDO:0015356.

Allele frequency attached by ClinVar (database versions not stated): TOPMed below 0.00001.

Submissions (2):

Labcorp Genetics (formerly Invitae), Labcorp
Classification: Uncertain significance for Fanconi anemia complementation group O. Last evaluated: 2024-06-08. Review status: criteria provided, single submitter. Criteria: Invitae Variant Classification Sherloc (09022015). Collection method: clinical testing. Allele origin: germline.
Comment: This sequence change replaces valine, which is neutral and non-polar, with alanine, which is neutral and non-polar, at codon 15 of the RAD51C protein (p.Val15Ala). This variant is not present in population databases (gnomAD no frequency). This variant has not been reported in the literature in individuals affected with RAD51C-related conditions. ClinVar contains an entry for this variant (Variation ID: 824950). An algorithm developed to predict the effect of missense changes on protein structure and function (PolyPhen-2) suggests that this variant is likely to be tolerated. In summary, the available evidence is currently insufficient to determine the role of this variant in disease. Therefore, it has been classified as a Variant of Uncertain Significance.

Ambry Genetics
Classification: Likely benign for Hereditary cancer-predisposing syndrome. Last evaluated: 2024-02-26. Review status: criteria provided, single submitter. Criteria: Ambry Variant Classification Scheme 2023. Collection method: clinical testing. Allele origin: germline.

NM_058216.3(RAD51C):c.44T>C (p.Val15Ala)

Gene: RAD51C (RAD51 paralog C; plus strand). Cytogenetic location: 17q22.
Variant type: single nucleotide variant.
Coding change: c.44T>C on transcript NM_058216.3 (MANE Select); coding-DNA position 44, T replaced by C.
Protein change: p.Val15Ala; replaces valine 15 with alanine.
Molecular consequence: missense variant. On other transcripts: non-coding transcript variant (1).
Genome position (GRCh38, 1-based): chr17:58,692,687, T>C. VCF-style: chr17-58692687-T-C. GRCh37 (hg19) VCF-style: chr17-56770048-T-C.
Other names: c.44T>C, p.Val15Ala (NM_002876.4); short protein forms V15A.
Identifiers: ClinVar variation 824950 (VCV000824950.9), dbSNP rs1060502593, ClinGen allele CA400336599.